The following is an entry in ClinVar:

NM_004036.5(ADCY3):c.1533+2T>A

Gene: ADCY3 (adenylate cyclase 3; minus strand). Cytogenetic location: 2p23.3.
Variant type: single nucleotide variant.
Coding change: c.1533+2T>A on transcript NM_004036.5 (MANE Select); the canonical splice donor site of the intron after coding-DNA position 1533, T replaced by A.
Molecular consequence: splice donor variant.
Genome position (GRCh38, 1-based): chr2:24,838,443, A>T on the plus strand (T>A on the coding strand, the complement: ADCY3 is on the minus strand). VCF-style: chr2-24838443-A-T. GRCh37 (hg19) VCF-style: chr2-25061312-A-T.
Other names: c.1533+2T>A (NM_001377130.1, NM_001377129.1, NM_001320613.2 and 1 more transcripts); c.1599+2T>A (NM_001377128.1); c.810+2T>A (NM_001377131.1).
Identifiers: ClinVar variation 3345969 (VCV003345969.2).

ClinVar aggregate classification (germline): Likely pathogenic (1 of 4 stars; one submission).

Conditions:
ADCY3-related disorder. Also called: ADCY3-related condition.

gnomAD v4.1: 1 of 1,610,602 alleles (0.000062%); highest among the groups gnomAD compares: African/African-American, 0.0013%; no homozygotes.

Submission:

PreventionGenetics, part of Exact Sciences
Classification: Likely pathogenic for ADCY3-related condition. Last evaluated: 2026-02-21. Review status: criteria provided, single submitter. Criteria: ACMG Guidelines, 2015. Collection method: clinical testing. Allele origin: germline.
Comment: The ADCY3 c.1533+2T>A variant is predicted to disrupt the GT donor site and interfere with normal splicing. To our knowledge, this variant has not been reported in the literature or in a large population database (gnomAD), indicating this variant is rare. Variants that disrupt the consensus splice donor site in ADCY3 are expected to be pathogenic. This variant is interpreted as likely pathogenic.